The following is an entry in ClinVar:

NM_001128205.2(SULF1):c.1826C>G (p.Pro609Arg)

Gene: SULF1 (sulfatase 1; plus strand). Cytogenetic location: 8q13.3.
Variant type: single nucleotide variant.
Coding change: c.1826C>G on transcript NM_001128205.2 (MANE Select); coding-DNA position 1826, C replaced by G.
Protein change: p.Pro609Arg; replaces proline 609 with arginine.
Molecular consequence: missense variant. On other transcripts: non-coding transcript variant (3).
Genome position (GRCh38, 1-based): chr8:69,624,173, C>G. VCF-style: chr8-69624173-C-G. GRCh37 (hg19) VCF-style: chr8-70536408-C-G.
Other names: c.1826C>G, p.Pro609Arg (NM_001128204.2, NM_001128206.2, NM_015170.3); short protein forms P609R.
Identifiers: ClinVar variation 1378332 (VCV001378332.6), dbSNP rs2130570872, ClinGen allele CA371229996.

ClinVar aggregate classification (germline): Uncertain significance (1 of 4 stars; one submission).

Submission:

Labcorp Genetics (formerly Invitae), Labcorp
Classification: Uncertain significance. Last evaluated: 2022-06-28. Review status: criteria provided, single submitter. Criteria: Invitae Variant Classification Sherloc (09022015). Collection method: clinical testing. Allele origin: germline.
Comment: This sequence change replaces proline, which is neutral and non-polar, with arginine, which is basic and polar, at codon 609 of the SULF1 protein (p.Pro609Arg). This variant is not present in population databases (gnomAD no frequency). This variant has not been reported in the literature in individuals affected with SULF1-related conditions. Algorithms developed to predict the effect of missense changes on protein structure and function are either unavailable or do not agree on the potential impact of this missense change (SIFT: "Tolerated"; PolyPhen-2: "Possibly Damaging"; Align-GVGD: "Class C0"). Algorithms developed to predict the effect of sequence changes on RNA splicing suggest that this variant may create or strengthen a splice site. In summary, the available evidence is currently insufficient to determine the role of this variant in disease. Therefore, it has been classified as a Variant of Uncertain Significance.